The following is an entry in ClinVar:

ClinVar aggregate classification (germline): Uncertain significance (1 of 4 stars; one submission).

gnomAD v4.1: 1 of 1,537,318 alleles (0.000065%); highest among the groups gnomAD compares: African/African-American, 0.0014%; no homozygotes.

Submission:

GeneDx
Classification: Uncertain significance. Last evaluated: 2026-10-07. Review status: criteria provided, single submitter. Criteria: GeneDx Variant Classification Process June 2021. Collection method: clinical testing. Allele origin: germline.
Comment: Not observed at significant frequency in large population cohorts (gnomAD); In silico analysis supports that this missense variant has a deleterious effect on protein structure/function; Has not been previously published as pathogenic or benign to our knowledge

NM_001378183.1(PIEZO2):c.3047G>A (p.Cys1016Tyr)

Gene: PIEZO2 (piezo type mechanosensitive ion channel component 2; minus strand). Cytogenetic location: 18p11.22.
Variant type: single nucleotide variant.
Coding change: c.3047G>A on transcript NM_001378183.1 (MANE Select); coding-DNA position 3047, G replaced by A.
Protein change: p.Cys1016Tyr; replaces cysteine 1016 with tyrosine.
Molecular consequence: missense variant.
Genome position (GRCh38, 1-based): chr18:10,762,998, C>T on the plus strand (G>A on the coding strand, the complement: PIEZO2 is on the minus strand). VCF-style: chr18-10762998-C-T. GRCh37 (hg19) VCF-style: chr18-10762996-C-T.
Other names: c.3047G>A, p.Cys1016Tyr (NM_001410871.1); c.2972G>A, p.Cys991Tyr (NM_022068.4); short protein forms C1016Y, C991Y.
Identifiers: ClinVar variation 3391464 (VCV003391464.2).